The following is an entry in ClinVar:

NM_001394062.1(MACF1):c.21196+4T>A

Gene: MACF1 (microtubule actin crosslinking factor 1; plus strand). Cytogenetic location: 1p34.3.
Variant type: single nucleotide variant.
Coding change: c.21196+4T>A on transcript NM_001394062.1 (MANE Select); 4 bases into the intron after coding-DNA position 21196, T replaced by A.
Molecular consequence: intron variant.
Genome position (GRCh38, 1-based): chr1:39,458,494, T>A. VCF-style: chr1-39458494-T-A. GRCh37 (hg19) VCF-style: chr1-39924166-T-A.
Other names: c.15019+4T>A (NM_012090.5).
Identifiers: ClinVar variation 1599319 (VCV001599319.34), dbSNP rs200464985, ClinGen allele CA784590.

ClinVar aggregate classification (germline): Benign/Likely benign. Review status: criteria provided, multiple submitters, no conflicts (2 of 4 stars). 4 submissions from 4 submitters: Benign (1); Likely benign (2). 1 of the submissions does not count toward it. Last evaluated 2026-07-01.

Conditions:
MACF1-related disorder. Also called: MACF1-related condition.

Allele frequency attached by ClinVar (database versions not stated): TOPMed 0.00042; gnomAD exomes 0.00054 and 0.00077; gnomAD 0.00066 and 0.00071; ESP Exome Variant Server 0.00085; ExAC 0.00092.
gnomAD v4.1: 874 of 1,612,708 alleles (0.054%); highest among the groups gnomAD compares: Non-Finnish European, 0.064%; 3 homozygotes.

Submissions (4):

CeGaT Center for Human Genetics Tuebingen
Classification: Likely benign. Last evaluated: 2026-07-01. Review status: criteria provided, single submitter. Criteria: CeGaT Center For Human Genetics Tuebingen Variant Classification Criteria Version 2. Collection method: clinical testing. Allele origin: germline. Affected: yes. Observed: 6 variant alleles.
Comment: MACF1: BP4, BS2

Labcorp Genetics (formerly Invitae), Labcorp
Classification: Benign. Last evaluated: 2026-01-19. Review status: criteria provided, single submitter. Criteria: Invitae Variant Classification Sherloc (09022015). Collection method: clinical testing. Allele origin: germline.

Blueprint Genetics
Classification: Likely benign. Last evaluated: 2024-11-14. Review status: criteria provided, single submitter. Criteria: ACMG Guidelines, 2015. Collection method: clinical testing. Allele origin: germline.

PreventionGenetics, part of Exact Sciences
Classification: Likely benign for MACF1-related condition. Last evaluated: 2020-09-17. Review status: no assertion criteria provided. Collection method: clinical testing. Allele origin: germline. Not counted in ClinVar's aggregate classification.
Comment: This variant is classified as likely benign based on ACMG/AMP sequence variant interpretation guidelines (Richards et al. 2015 PMID: 25741868, with internal and published modifications).